The following is an entry in ClinVar:

ClinVar aggregate classification (germline): Uncertain significance (1 of 4 stars; one submission).

Submission:

GeneDx
Classification: Uncertain significance. Last evaluated: 2025-11-05. Review status: criteria provided, single submitter. Criteria: GeneDx Variant Classification Process June 2021. Collection method: clinical testing. Allele origin: germline.
Comment: Not observed at significant frequency in large population cohorts (gnomAD); In silico analysis suggests that this missense variant does not alter protein structure/function; Has not been previously published as pathogenic or benign to our knowledge

NM_015021.3(ZNF292):c.5578T>C (p.Cys1860Arg)

Gene: ZNF292 (zinc finger protein 292; plus strand). Cytogenetic location: 6q14.3.
Variant type: single nucleotide variant.
Coding change: c.5578T>C on transcript NM_015021.3 (MANE Select); coding-DNA position 5578, T replaced by C.
Protein change: p.Cys1860Arg; replaces cysteine 1860 with arginine.
Molecular consequence: missense variant.
Genome position (GRCh38, 1-based): chr6:87,259,207, T>C. VCF-style: chr6-87259207-T-C. GRCh37 (hg19) VCF-style: chr6-87968925-T-C.
Other names: c.5158T>C, p.Cys1720Arg (NM_001351444.2); short protein forms C1720R, C1860R.
Identifiers: ClinVar variation 3364961 (VCV003364961.2).